The following is an entry in ClinVar:

NM_144687.4(NLRP12):c.1391_1408del (p.Leu464_Leu469del)

Gene: NLRP12 (NLR family pyrin domain containing 12; minus strand). Cytogenetic location: 19q13.42.
Variant type: Deletion.
Coding change: c.1391_1408del on transcript NM_144687.4 (MANE Select); coding-DNA positions 1391 to 1408, 18 bases deleted (TGGCGGCAGATGGGCTCT).
Protein change: p.Leu464_Leu469del.
Molecular consequence: inframe deletion.
Genome position (GRCh38, 1-based): chr19:53,810,251-53,810,268, AGAGCCCATCTGCCGCCA deleted on the plus strand (TGGCGGCAGATGGGCTCT on the coding strand, the reverse complement: NLRP12 is on the minus strand); deleting any 18 consecutive bases within chr19:53,810,251-53,810,270 gives the same sequence; the c. name uses the placement nearest the transcript's 3' end. VCF-style (leftmost placement, unchanged base first): chr19-53810250-CAGAGCCCATCTGCCGCCA-C. GRCh37 (hg19) VCF-style: chr19-54313504-CAGAGCCCATCTGCCGCCA-C.
Other names: c.1391_1408del, p.Leu464_Leu469del (NM_001277126.2, NM_001277129.1).
Identifiers: ClinVar variation 1694393 (VCV001694393.6), dbSNP rs2122665998, ClinGen allele CA2580097772.
Genomic context (GRCh38, chr19:53,810,250, plus strand): 5'-TCTTCCCCGTCTAGGCCGTGCTTCCGGAGGTCCTGCTCCTCAAATAGGATTTTCTGATTC[CAGAGCCCATCTGCCGCCA>C]AGGAGCACAACCCTCTCTGGTTGGGTGGGGGCTGGAGGCGCGGGGCCCCCGGCTTGGGTT-3'

ClinVar aggregate classification (germline): Uncertain significance. Review status: criteria provided, multiple submitters, no conflicts (2 of 4 stars). 2 submissions from 2 submitters: Uncertain significance (2). Last evaluated 2023-08-27.

Conditions:
Autoinflammatory syndrome. Identifiers: Orphanet 93665, MedGen C3890737, MONDO:0019751.
Familial cold autoinflammatory syndrome 2 (FCAS2). Identifiers: Orphanet 247868, MedGen C2673198, MONDO:0012724, OMIM 611762.

Submissions (2):

Labcorp Genetics (formerly Invitae), Labcorp
Classification: Uncertain significance for Familial cold autoinflammatory syndrome 2. Last evaluated: 2023-08-27. Review status: criteria provided, single submitter. Criteria: Invitae Variant Classification Sherloc (09022015). Collection method: clinical testing. Allele origin: germline.
Comment: In summary, the available evidence is currently insufficient to determine the role of this variant in disease. Therefore, it has been classified as a Variant of Uncertain Significance. Experimental studies and prediction algorithms are not available or were not evaluated, and the functional significance of this variant is currently unknown. ClinVar contains an entry for this variant (Variation ID: 1694393). This variant has not been reported in the literature in individuals affected with NLRP12-related conditions. This variant is not present in population databases (gnomAD no frequency). This variant, c.1391_1408del, results in the deletion of 6 amino acid(s) of the NLRP12 protein (p.Leu464_Leu469del), but otherwise preserves the integrity of the reading frame.

Genome Diagnostics Laboratory, The Hospital for Sick Children
Classification: Uncertain significance for Autoinflammatory syndrome. Last evaluated: 2022-03-01. Review status: criteria provided, single submitter. Criteria: ACMG Guidelines, 2015. Collection method: clinical testing. Allele origin: germline. Affected: yes.